The following is an entry in ClinVar:

ClinVar aggregate classification (germline): Uncertain significance. Review status: criteria provided, multiple submitters, no conflicts (2 of 4 stars). 2 submissions from 2 submitters: Uncertain significance (2). Last evaluated 2025-04-09.

Allele frequency attached by ClinVar (database versions not stated): gnomAD exomes 0.00001; ExAC 0.00002.

Submissions (2):

Labcorp Genetics (formerly Invitae), Labcorp
Classification: Uncertain significance. Last evaluated: 2025-04-09. Review status: criteria provided, single submitter. Criteria: Invitae Variant Classification Sherloc (09022015). Collection method: clinical testing. Allele origin: germline.
Comment: This sequence change replaces methionine, which is neutral and non-polar, with valine, which is neutral and non-polar, at codon 14 of the CTNNB1 protein (p.Met14Val). This variant is present in population databases (rs752642845, gnomAD 0.01%). This variant has not been reported in the literature in individuals affected with CTNNB1-related conditions. ClinVar contains an entry for this variant (Variation ID: 444598). An algorithm developed to predict the effect of missense changes on protein structure and function (PolyPhen-2) suggests that this variant is likely to be tolerated. In summary, the available evidence is currently insufficient to determine the role of this variant in disease. Therefore, it has been classified as a Variant of Uncertain Significance.

CeGaT Center for Human Genetics Tuebingen
Classification: Uncertain significance. Last evaluated: 2017-03-01. Review status: criteria provided, single submitter. Criteria: CeGaT Center For Human Genetics Tuebingen Variant Classification Criteria Version 2. Collection method: clinical testing. Allele origin: germline. Affected: yes. Observed: 1 variant allele.

NM_001904.4(CTNNB1):c.40A>G (p.Met14Val)

Genes: CTNNB1 (catenin beta 1; plus strand), LOC126806658 (BRD4-independent group 4 enhancer GRCh37_chr3:41265899-41267098; plus strand). Cytogenetic location: 3p22.1.
Variant type: single nucleotide variant.
Coding change: c.40A>G on transcript NM_001904.4 (MANE Select); coding-DNA position 40, A replaced by G.
Protein change: p.Met14Val; replaces methionine 14 with valine.
Molecular consequence: missense variant.
Genome position (GRCh38, 1-based): chr3:41,224,552, A>G. VCF-style: chr3-41224552-A-G. GRCh37 (hg19) VCF-style: chr3-41266043-A-G.
Other names: c.40A>G, p.Met14Val (NM_001098209.2, NM_001098210.2); c.19A>G, p.Met7Val (NM_001330729.2); short protein forms M14V, M7V.
Identifiers: ClinVar variation 444598 (VCV000444598.44), dbSNP rs752642845, ClinGen allele CA2330855.